The following is an entry in ClinVar:

ClinVar aggregate classification (germline): Conflicting classifications of pathogenicity. Review status: criteria provided, conflicting classifications (1 of 4 stars). 2 submissions from 2 submitters: Uncertain significance (1); Likely benign (1). Last evaluated 2024-08-06.

Conditions:
Hereditary cancer-predisposing syndrome. Also called: Tumor predisposition; Neoplastic Syndromes, Hereditary; Hereditary neoplastic syndrome; Hereditary Cancer Syndrome. Identifiers: Orphanet 140162, MedGen C0027672, MeSH D009386, MONDO:0015356.
Familial cancer of breast. Also called: Hereditary breast cancer; BREAST CANCER, FAMILIAL; hereditary breast carcinoma. Identifiers: Orphanet 227535, MedGen C0346153, MONDO:0016419, OMIM 114480. Disease mechanism: loss of function.

Allele frequency attached by ClinVar (database versions not stated): gnomAD exomes 0.00001.
gnomAD v4.1: 3 of 1,614,182 alleles (0.00019%); highest among the groups gnomAD compares: East Asian, 0.0067%; no homozygotes.

Submissions (2):

Ambry Genetics
Classification: Likely benign for Hereditary cancer-predisposing syndrome. Last evaluated: 2024-08-06. Review status: criteria provided, single submitter. Criteria: Ambry Variant Classification Scheme 2023. Collection method: clinical testing. Allele origin: germline.

Labcorp Genetics (formerly Invitae), Labcorp
Classification: Uncertain significance for Familial cancer of breast. Last evaluated: 2020-08-21. Review status: criteria provided, single submitter. Criteria: Invitae Variant Classification Sherloc (09022015). Collection method: clinical testing. Allele origin: germline.
Comment: Algorithms developed to predict the effect of missense changes on protein structure and function (SIFT, PolyPhen-2, Align-GVGD) all suggest that this variant is likely to be tolerated, but these predictions have not been confirmed by published functional studies and their clinical significance is uncertain. In summary, the available evidence is currently insufficient to determine the role of this variant in disease. Therefore, it has been classified as a Variant of Uncertain Significance. This variant has been observed in individual(s) with breast cancer (PMID: 28825143). This variant is not present in population databases (ExAC no frequency). This sequence change replaces alanine with aspartic acid at codon 519 of the PALB2 protein (p.Ala519Asp). The alanine residue is moderately conserved and there is a moderate physicochemical difference between alanine and aspartic acid.

Literature cited by the submitters: PubMed 28825143 (cited by Ambry Genetics and Labcorp Genetics (formerly Invitae), Labcorp).

NM_024675.4(PALB2):c.1556C>A (p.Ala519Asp)

Gene: PALB2 (partner and localizer of BRCA2; minus strand). Cytogenetic location: 16p12.2.
Variant type: single nucleotide variant.
Coding change: c.1556C>A on transcript NM_024675.4 (MANE Select); coding-DNA position 1556, C replaced by A.
Protein change: p.Ala519Asp; replaces alanine 519 with aspartic acid.
Molecular consequence: missense variant.
Genome position (GRCh38, 1-based): chr16:23,634,990, G>T on the plus strand (C>A on the coding strand, the complement: PALB2 is on the minus strand). VCF-style: chr16-23634990-G-T. GRCh37 (hg19) VCF-style: chr16-23646311-G-T.
Other names: short protein forms A519D.
Identifiers: ClinVar variation 1018289 (VCV001018289.13), dbSNP rs1340452845, ClinGen allele CA395130790.